The following is an entry in ClinVar:

NM_004564.3(GATB):c.89C>A (p.Ala30Asp)

Genes: GATB (glutamyl-tRNA amidotransferase subunit B; minus strand), LOC129993225 (ATAC-STARR-seq lymphoblastoid active region 22022; plus strand). Cytogenetic location: 4q31.3.
Variant type: single nucleotide variant.
Coding change: c.89C>A on transcript NM_004564.3 (MANE Select); coding-DNA position 89, C replaced by A.
Protein change: p.Ala30Asp; replaces alanine 30 with aspartic acid.
Molecular consequence: missense variant.
Genome position (GRCh38, 1-based): chr4:151,760,894, G>T on the plus strand (C>A on the coding strand, the complement: GATB is on the minus strand). VCF-style: chr4-151760894-G-T. GRCh37 (hg19) VCF-style: chr4-152682046-G-T.
Other names: c.89C>A, p.Ala30Asp (NM_001363341.2); short protein forms A30D.
Identifiers: ClinVar variation 1280003 (VCV001280003.4), dbSNP rs11556167, ClinGen allele CA3106017.

ClinVar aggregate classification (germline): Benign. Review status: criteria provided, multiple submitters, no conflicts (2 of 4 stars). 3 submissions from 3 submitters: Benign (2). 1 of the submissions does not count toward it. Last evaluated 2021-05-04.

Conditions:
GATB-related disorder. Also called: GATB-related condition.

Allele frequency attached by ClinVar (database versions not stated): gnomAD exomes 0.10288; ExAC 0.10865; 1000 Genomes Project 0.12819; 1000 Genomes Project 30x 0.13070; gnomAD 0.14262 and 0.14853; TOPMed 0.14720; ESP Exome Variant Server 0.15362.
gnomAD v4.1: 183,365 of 1,613,696 alleles (11%); highest among the groups gnomAD compares: African/African-American, 24%; 11,589 homozygotes.

Submissions (3):

GeneDx
Classification: Benign. Last evaluated: 2021-05-04. Review status: criteria provided, single submitter. Criteria: GeneDx Variant Classification Process June 2021. Collection method: clinical testing. Allele origin: germline. Affected: yes.

Breakthrough Genomics
Classification: Benign. Review status: criteria provided, single submitter. Criteria: ACMG Guidelines, 2015. Collection method: not provided. Allele origin: germline. Inheritance: Autosomal recessive inheritance. Affected: yes.

PreventionGenetics, part of Exact Sciences
Classification: Benign for GATB-related condition. Last evaluated: 2019-11-06. Review status: no assertion criteria provided. Collection method: clinical testing. Allele origin: germline. Not counted in ClinVar's aggregate classification.
Comment: This variant is classified as benign based on ACMG/AMP sequence variant interpretation guidelines (Richards et al. 2015 PMID: 25741868, with internal and published modifications).